The following is an entry in ClinVar:

NM_001458.5(FLNC):c.5990C>A (p.Pro1997His)

Genes: FLNC (filamin C; plus strand), FLNC-AS1 (FLNC antisense RNA 1; minus strand). Cytogenetic location: 7q32.1.
Variant type: single nucleotide variant.
Coding change: c.5990C>A on transcript NM_001458.5 (MANE Select); coding-DNA position 5990, C replaced by A.
Protein change: p.Pro1997His; replaces proline 1997 with histidine.
Molecular consequence: missense variant.
Genome position (GRCh38, 1-based): chr7:128,852,738, C>A. VCF-style: chr7-128852738-C-A. GRCh37 (hg19) VCF-style: chr7-128492792-C-A.
Other names: c.5891C>A, p.Pro1964His (NM_001127487.2); short protein forms P1964H, P1997H.
Identifiers: ClinVar variation 3344891 (VCV003344891.2).

ClinVar aggregate classification (germline): Uncertain significance. Review status: criteria provided, single submitter (1 of 4 stars). 2 submissions from 2 submitters: Uncertain significance (1). 1 of the submissions does not count toward it. Last evaluated 2025-12-03.

Conditions:
Myofibrillar myopathy 5. Also called: Filaminopathy (type); FILAMINOPATHY, AUTOSOMAL DOMINANT. Identifiers: Orphanet 171445, MedGen C1836050, MONDO:0012289, OMIM 609524.
Hypertrophic cardiomyopathy 26. Also called: Cardiomyopathy, familial hypertrophic, 26. Identifiers: Orphanet 75249, MedGen C4310749, MONDO:0014883, OMIM 617047.
Distal myopathy with posterior leg and anterior hand involvement. Also called: WILLIAMS DISTAL MYOPATHY. Identifiers: Orphanet 63273, MedGen C3279722, MONDO:0013550, OMIM 614065.
FLNC-related disorder. Also called: FLNC-related condition; FLNC-related disorders.

Submissions (2):

Labcorp Genetics (formerly Invitae), Labcorp
Classification: Uncertain significance for Distal myopathy with posterior leg and anterior hand involvement; Myofibrillar myopathy 5; Hypertrophic cardiomyopathy 26. Last evaluated: 2025-12-03. Review status: criteria provided, single submitter. Criteria: Invitae Variant Classification Sherloc (09022015). Collection method: clinical testing. Allele origin: germline.
Comment: This sequence change replaces proline, which is neutral and non-polar, with histidine, which is basic and polar, at codon 1997 of the FLNC protein (p.Pro1997His). This variant is not present in population databases (gnomAD no frequency). This variant has not been reported in the literature in individuals affected with FLNC-related conditions. ClinVar contains an entry for this variant (Variation ID: 3344891). Invitae Evidence Modeling of protein sequence and biophysical properties (such as structural, functional, and spatial information, amino acid conservation, physicochemical variation, residue mobility, and thermodynamic stability) has been performed for this missense variant. However, the output from this modeling did not meet the statistical confidence thresholds required to predict the impact of this variant on FLNC protein function. In summary, the available evidence is currently insufficient to determine the role of this variant in disease. Therefore, it has been classified as a Variant of Uncertain Significance.

PreventionGenetics, part of Exact Sciences
Classification: Uncertain significance for FLNC-related condition. Last evaluated: 2024-04-25. Review status: no assertion criteria provided. Collection method: clinical testing. Allele origin: germline. Not counted in ClinVar's aggregate classification.
Comment: The FLNC c.5990C>A variant is predicted to result in the amino acid substitution p.Pro1997His. To our knowledge, this variant has not been reported in the literature or in a large population database, indicating this variant is rare. At this time, the clinical significance of this variant is uncertain due to the absence of conclusive functional and genetic evidence.